The following is an entry in ClinVar:

NM_001164508.2(NEB):c.19868T>G (p.Val6623Gly)

Gene: NEB (nebulin; minus strand). Cytogenetic location: 2q23.3.
Variant type: single nucleotide variant.
Coding change: c.19868T>G on transcript NM_001164508.2 (MANE Select); coding-DNA position 19868, T replaced by G.
Protein change: p.Val6623Gly; replaces valine 6623 with glycine.
Molecular consequence: missense variant.
Genome position (GRCh38, 1-based): chr2:151,551,814, A>C on the plus strand (T>G on the coding strand, the complement: NEB is on the minus strand). VCF-style: chr2-151551814-A-C. GRCh37 (hg19) VCF-style: chr2-152408328-A-C.
Other names: c.19868T>G, p.Val6623Gly (NM_001164507.2, NM_001271208.2); c.14765T>G, p.Val4922Gly (NM_004543.5); short protein forms V4922G, V6623G.
Identifiers: ClinVar variation 2126633 (VCV002126633.1), dbSNP rs2552183845, ClinGen allele CA348787284.

ClinVar aggregate classification (germline): Uncertain significance (1 of 4 stars; one submission).

Conditions:
Nemaline myopathy 2 (NEM2). Also called: Nemaline myopathy 2, autosomal recessive. Identifiers: MedGen C1850569, MONDO:0009725, OMIM 256030.

Submission:

Labcorp Genetics (formerly Invitae), Labcorp
Classification: Uncertain significance for Nemaline myopathy 2. Last evaluated: 2022-04-16. Review status: criteria provided, single submitter. Criteria: Invitae Variant Classification Sherloc (09022015). Collection method: clinical testing. Allele origin: germline.
Comment: This sequence change replaces valine, which is neutral and non-polar, with glycine, which is neutral and non-polar, at codon 6623 of the NEB protein (p.Val6623Gly). This variant is not present in population databases (gnomAD no frequency). This variant has not been reported in the literature in individuals affected with NEB-related conditions. Algorithms developed to predict the effect of missense changes on protein structure and function are either unavailable or do not agree on the potential impact of this missense change (SIFT: "Deleterious"; PolyPhen-2: "Not Available"; Align-GVGD: "Class C0"). In summary, the available evidence is currently insufficient to determine the role of this variant in disease. Therefore, it has been classified as a Variant of Uncertain Significance.